The following is an entry in ClinVar:

NM_000089.4(COL1A2):c.97-7C>T

Gene: COL1A2 (collagen type I alpha 2 chain; plus strand). Cytogenetic location: 7q21.3.
Variant type: single nucleotide variant.
Coding change: c.97-7C>T on transcript NM_000089.4 (MANE Select); 7 bases into the intron before coding-DNA position 97, C replaced by T.
Molecular consequence: intron variant.
Genome position (GRCh38, 1-based): chr7:94,399,042, C>T. VCF-style: chr7-94399042-C-T. GRCh37 (hg19) VCF-style: chr7-94028354-C-T.
Other names: c.97-7C>T (NM_000089.3).
Identifiers: ClinVar variation 2945002 (VCV002945002.5), dbSNP rs374282257, ClinGen allele CA4346485.

ClinVar aggregate classification (germline): Likely benign. Review status: criteria provided, single submitter (1 of 4 stars). 2 submissions from 2 submitters: Likely benign (1). 1 of the submissions does not count toward it. Last evaluated 2025-06-12.

Conditions:
Osteogenesis imperfecta type I (OI1). Also called: Lobstein disease; OI, TYPE I; OSTEOGENESIS IMPERFECTA TARDA; OSTEOGENESIS IMPERFECTA WITH BLUE SCLERAE; Osteogenesis imperfecta type 1; Lobstein's Disease. Identifiers: Orphanet 216796, Orphanet 666, MedGen C0023931, MONDO:0008146, OMIM 166200. Disease mechanism: loss of function.
Ehlers-Danlos syndrome, classic type, 1 (EDSCL1). Also called: EDS I; EHLERS-DANLOS SYNDROME, GRAVIS TYPE; EHLERS-DANLOS SYNDROME, SEVERE CLASSIC TYPE; Ehlers-Danlos syndrome, type 1; Ehlers-Danlos Syndrome, Classic Type, COL5A1-Related. Identifiers: MedGen C0268335, MONDO:0019567, OMIM 130000.
COL1A2-related disorder. Also called: COL1A2-related condition; COL1A2-Related Disorders.

Allele frequency attached by ClinVar (database versions not stated): gnomAD exomes 0.00001; ExAC 0.00004; ESP Exome Variant Server 0.00031; gnomAD 0.00013; TOPMed 0.00013.
gnomAD v4.1: 27 of 1,613,306 alleles (0.0017%); highest among the groups gnomAD compares: African/African-American, 0.035%; no homozygotes.

Submissions (2):

Labcorp Genetics (formerly Invitae), Labcorp
Classification: Likely benign for Osteogenesis imperfecta type I; Ehlers-Danlos syndrome, classic type, 1. Last evaluated: 2025-06-12. Review status: criteria provided, single submitter. Criteria: Invitae Variant Classification Sherloc (09022015). Collection method: clinical testing. Allele origin: germline.

PreventionGenetics, part of Exact Sciences
Classification: Likely benign for COL1A2-related condition. Last evaluated: 2021-05-05. Review status: no assertion criteria provided. Collection method: clinical testing. Allele origin: germline. Not counted in ClinVar's aggregate classification.
Comment: This variant is classified as likely benign based on ACMG/AMP sequence variant interpretation guidelines (Richards et al. 2015 PMID: 25741868, with internal and published modifications).